The following is an entry in ClinVar:

NM_024652.6(LRRK1):c.5653G>A (p.Gly1885Ser)

Genes: LRRK1 (leucine rich repeat kinase 1; plus strand), LRRK1-AS1 (LRRK1 antisense RNA 1; minus strand). Cytogenetic location: 15q26.3.
Variant type: single nucleotide variant.
Coding change: c.5653G>A on transcript NM_024652.6 (MANE Select); coding-DNA position 5653, G replaced by A.
Protein change: p.Gly1885Ser; replaces glycine 1885 with serine.
Molecular consequence: missense variant.
Genome position (GRCh38, 1-based): chr15:101,066,090, G>A. VCF-style: chr15-101066090-G-A. GRCh37 (hg19) VCF-style: chr15-101606295-G-A.
Other names: short protein forms G1885S.
Identifiers: ClinVar variation 1986904 (VCV001986904.2), dbSNP rs377202593, ClinGen allele CA7762192.

ClinVar aggregate classification (germline): Conflicting classifications of pathogenicity. Review status: criteria provided, conflicting classifications (1 of 4 stars). 2 submissions from 2 submitters: Uncertain significance (1); Likely benign (1). Last evaluated 2022-11-19.

Conditions:
Inborn genetic diseases. Identifiers: MedGen C0950123, MeSH D030342.

Allele frequency attached by ClinVar (database versions not stated): gnomAD 0.00003; TOPMed 0.00005; ExAC 0.00006; ESP Exome Variant Server 0.00008; gnomAD exomes 0.00008.
gnomAD v4.1: 128 of 1,614,000 alleles (0.0079%); highest among the groups gnomAD compares: Non-Finnish European, 0.0093%; no homozygotes.

Submissions (2):

Ambry Genetics
Classification: Likely benign for Inborn genetic diseases. Last evaluated: 2022-11-19. Review status: criteria provided, single submitter. Criteria: Ambry Variant Classification Scheme 2023. Collection method: clinical testing. Allele origin: germline.

Labcorp Genetics (formerly Invitae), Labcorp
Classification: Uncertain significance. Last evaluated: 2022-09-24. Review status: criteria provided, single submitter. Criteria: Invitae Variant Classification Sherloc (09022015). Collection method: clinical testing. Allele origin: germline.
Comment: This sequence change replaces glycine, which is neutral and non-polar, with serine, which is neutral and polar, at codon 1885 of the LRRK1 protein (p.Gly1885Ser). This variant is present in population databases (rs377202593, gnomAD 0.006%). This variant has not been reported in the literature in individuals affected with LRRK1-related conditions. Algorithms developed to predict the effect of missense changes on protein structure and function output the following: SIFT: "Tolerated"; PolyPhen-2: "Benign"; Align-GVGD: "Class C0". The serine amino acid residue is found in multiple mammalian species, which suggests that this missense change does not adversely affect protein function. Algorithms developed to predict the effect of sequence changes on RNA splicing suggest that this variant may create or strengthen a splice site. In summary, the available evidence is currently insufficient to determine the role of this variant in disease. Therefore, it has been classified as a Variant of Uncertain Significance.